The following is an entry in ClinVar:

ClinVar aggregate classification (germline): Uncertain significance (1 of 4 stars; one submission).

Conditions:
Developmental and epileptic encephalopathy, 34 (DEE34). Also called: SLC12A5-Related Epilepsy of Infancy with Migrating Focal Seizures; Early infantile epileptic encephalopathy 34. Identifiers: Orphanet 293181, MedGen C4225257, MONDO:0014718, OMIM 616645.

gnomAD v4.1: 1 of 1,549,640 alleles (0.000065%); highest among the groups gnomAD compares: Non-Finnish European, 0.000087%; no homozygotes.

Submission:

Labcorp Genetics (formerly Invitae), Labcorp
Classification: Uncertain significance for Developmental and epileptic encephalopathy, 34. Last evaluated: 2022-10-25. Review status: criteria provided, single submitter. Criteria: Invitae Variant Classification Sherloc (09022015). Collection method: clinical testing. Allele origin: germline.
Comment: This sequence change replaces glutamic acid, which is acidic and polar, with lysine, which is basic and polar, at codon 9 of the SLC12A5 protein (p.Glu9Lys). This variant is not present in population databases (gnomAD no frequency). This variant has not been reported in the literature in individuals affected with SLC12A5-related conditions. Advanced modeling of protein sequence and biophysical properties (such as structural, functional, and spatial information, amino acid conservation, physicochemical variation, residue mobility, and thermodynamic stability) performed at Invitae indicates that this missense variant is not expected to disrupt SLC12A5 protein function. In summary, the available evidence is currently insufficient to determine the role of this variant in disease. Therefore, it has been classified as a Variant of Uncertain Significance.

NM_020708.5(SLC12A5):c.25G>A (p.Glu9Lys)

Gene: SLC12A5 (solute carrier family 12 member 5; plus strand). Cytogenetic location: 20q13.12.
Variant type: single nucleotide variant.
Coding change: c.25G>A on transcript NM_020708.5 (MANE Select); coding-DNA position 25, G replaced by A.
Protein change: p.Glu9Lys; replaces glutamic acid 9 with lysine.
Molecular consequence: missense variant. On other transcripts: intron variant (1).
Genome position (GRCh38, 1-based): chr20:46,029,369, G>A. VCF-style: chr20-46029369-G-A. GRCh37 (hg19) VCF-style: chr20-44658008-G-A.
Other names: c.122-5579G>A (NM_001134771.2); short protein forms E9K.
Identifiers: ClinVar variation 2014017 (VCV002014017.4), dbSNP rs2515626546, ClinGen allele CA409232575.